The following is an entry in ClinVar:

NM_001040616.3(LINS1):c.1222+14C>T

Gene: LINS1 (lines homolog 1; minus strand). Cytogenetic location: 15q26.3.
Variant type: single nucleotide variant.
Coding change: c.1222+14C>T on transcript NM_001040616.3 (MANE Select); 14 bases into the intron after coding-DNA position 1222, C replaced by T.
Molecular consequence: intron variant.
Genome position (GRCh38, 1-based): chr15:100,573,637, G>A on the plus strand (C>T on the coding strand, the complement: LINS1 is on the minus strand). VCF-style: chr15-100573637-G-A. GRCh37 (hg19) VCF-style: chr15-101113842-G-A.
Other names: c.1177+14C>T (NM_001352508.2); c.475+14C>T (NM_001352507.2).
Identifiers: ClinVar variation 4821260 (VCV004821260.4).

ClinVar aggregate classification (germline): Likely benign (1 of 4 stars; one submission).

gnomAD v4.1: 147 of 1,473,084 alleles (0.01%); highest among the groups gnomAD compares: Middle Eastern, 0.017%; no homozygotes.

Submission:

CeGaT Center for Human Genetics Tuebingen
Classification: Likely benign. Last evaluated: 2026-03-01. Review status: criteria provided, single submitter. Criteria: CeGaT Center For Human Genetics Tuebingen Variant Classification Criteria Version 2. Collection method: clinical testing. Allele origin: germline. Affected: yes. Observed: 1 variant allele.
Comment: LINS1: BP4, BP7